The following is an entry in ClinVar:

NM_001113378.2(FANCI):c.1436C>A (p.Ser479Tyr)

Gene: FANCI (FA complementation group I; plus strand). Cytogenetic location: 15q26.1.
Variant type: single nucleotide variant.
Coding change: c.1436C>A on transcript NM_001113378.2 (MANE Select); coding-DNA position 1436, C replaced by A.
Protein change: p.Ser479Tyr; replaces serine 479 with tyrosine.
Molecular consequence: missense variant.
Genome position (GRCh38, 1-based): chr15:89,281,224, C>A. VCF-style: chr15-89281224-C-A. GRCh37 (hg19) VCF-style: chr15-89824455-C-A.
Other names: c.1157C>A, p.Ser386Tyr (NM_001376910.1); c.1436C>A, p.Ser479Tyr (NM_001376911.1, NM_018193.3); short protein forms S386Y, S479Y.
Identifiers: ClinVar variation 1007412 (VCV001007412.8), dbSNP rs2053602935, ClinGen allele CA393743639.
Genomic context (GRCh38, chr15:89,281,224, plus strand): 5'-TTTCAGACCTGCTTTCAAATATCGTCATGTATGCACCCTTAGTTCTTCAAAGTTGTTCTT[C>A]TAAAGTCACAGAAGCTTTTGACTATTTGTCCTTTCTGCCCCTTCAGACTGTACAAAGGCT-3'
Protein context (NP_001106849.1, residues 469-489): YAPLVLQSCS[Ser479Tyr]KVTEAFDYLS

ClinVar aggregate classification (germline): Uncertain significance (1 of 4 stars; one submission).

Conditions:
Fanconi anemia (FA). Also called: Fanconi's anemia. Identifiers: Orphanet 84, MedGen C0015625, MeSH D005199, MONDO:0019391.

Submission:

Labcorp Genetics (formerly Invitae), Labcorp
Classification: Uncertain significance for Fanconi anemia. Last evaluated: 2020-07-12. Review status: criteria provided, single submitter. Criteria: Invitae Variant Classification Sherloc (09022015). Collection method: clinical testing. Allele origin: germline.
Comment: In summary, the available evidence is currently insufficient to determine the role of this variant in disease. Therefore, it has been classified as a Variant of Uncertain Significance. Algorithms developed to predict the effect of missense changes on protein structure and function are either unavailable or do not agree on the potential impact of this missense change (SIFT: "Deleterious"; PolyPhen-2: "Probably Damaging"; Align-GVGD: "Class C0"). This variant has not been reported in the literature in individuals with FANCI-related conditions. This variant is not present in population databases (ExAC no frequency). This sequence change replaces serine with tyrosine at codon 479 of the FANCI protein (p.Ser479Tyr). The serine residue is highly conserved and there is a large physicochemical difference between serine and tyrosine.